The following is an entry in ClinVar:

NM_206933.4(USH2A):c.7174G>A (p.Glu2392Lys)

Gene: USH2A (usherin; minus strand). Cytogenetic location: 1q41.
Variant type: single nucleotide variant.
Coding change: c.7174G>A on transcript NM_206933.4 (MANE Select); coding-DNA position 7174, G replaced by A.
Protein change: p.Glu2392Lys; replaces glutamic acid 2392 with lysine.
Molecular consequence: missense variant.
Genome position (GRCh38, 1-based): chr1:215,934,742, C>T on the plus strand (G>A on the coding strand, the complement: USH2A is on the minus strand). VCF-style: chr1-215934742-C-T. GRCh37 (hg19) VCF-style: chr1-216108084-C-T.
Other names: short protein forms E2392K.
Identifiers: ClinVar variation 2008984 (VCV002008984.4), dbSNP rs1192539262, ClinGen allele CA344857823.

ClinVar aggregate classification (germline): Uncertain significance (1 of 4 stars; one submission).

gnomAD v4.1: 1 of 1,612,748 alleles (0.000062%); highest among the groups gnomAD compares: Non-Finnish European, 0.000085%; no homozygotes.

Submission:

Labcorp Genetics (formerly Invitae), Labcorp
Classification: Uncertain significance. Last evaluated: 2022-10-17. Review status: criteria provided, single submitter. Criteria: Invitae Variant Classification Sherloc (09022015). Collection method: clinical testing. Allele origin: germline.
Comment: In summary, the available evidence is currently insufficient to determine the role of this variant in disease. Therefore, it has been classified as a Variant of Uncertain Significance. Advanced modeling of protein sequence and biophysical properties (such as structural, functional, and spatial information, amino acid conservation, physicochemical variation, residue mobility, and thermodynamic stability) performed at Invitae indicates that this missense variant is not expected to disrupt USH2A protein function. This variant has not been reported in the literature in individuals affected with USH2A-related conditions. This variant is not present in population databases (gnomAD no frequency). This sequence change replaces glutamic acid, which is acidic and polar, with lysine, which is basic and polar, at codon 2392 of the USH2A protein (p.Glu2392Lys).